The following is an entry in ClinVar:

ClinVar aggregate classification (germline): Uncertain significance. Review status: criteria provided, single submitter (1 of 4 stars). 2 submissions from 2 submitters: Uncertain significance (1). 1 of the submissions does not count toward it. Last evaluated 2023-08-04.

Conditions:
PLXNA4-related disorder. Also called: PLXNA4-related condition.

Allele frequency attached by ClinVar (database versions not stated): ExAC 0.00001.
gnomAD v4.1: 40 of 1,614,054 alleles (0.0025%); highest among the groups gnomAD compares: African/African-American, 0.0093%; no homozygotes.

Submissions (2):

Ambry Genetics
Classification: Uncertain significance. Last evaluated: 2023-08-04. Review status: criteria provided, single submitter. Criteria: Ambry Variant Classification Scheme 2023. Collection method: clinical testing. Allele origin: germline.

PreventionGenetics, part of Exact Sciences
Classification: Uncertain significance for PLXNA4-related condition. Last evaluated: 2024-05-26. Review status: no assertion criteria provided. Collection method: clinical testing. Allele origin: germline. Not counted in ClinVar's aggregate classification.
Comment: The PLXNA4 c.1448G>A variant is predicted to result in the amino acid substitution p.Arg483Gln. To our knowledge, this variant has not been reported in the literature. This variant is reported in 0.0041% of alleles in individuals of African descent in gnomAD. At this time, the clinical significance of this variant is uncertain due to the absence of conclusive functional and genetic evidence.

NM_020911.2(PLXNA4):c.1448G>A (p.Arg483Gln)

Gene: PLXNA4 (plexin A4; minus strand). Cytogenetic location: 7q32.3.
Variant type: single nucleotide variant.
Coding change: c.1448G>A on transcript NM_020911.2 (MANE Select); coding-DNA position 1448, G replaced by A.
Protein change: p.Arg483Gln; replaces arginine 483 with glutamine.
Molecular consequence: missense variant.
Genome position (GRCh38, 1-based): chr7:132,298,146, C>T on the plus strand (G>A on the coding strand, the complement: PLXNA4 is on the minus strand). VCF-style: chr7-132298146-C-T. GRCh37 (hg19) VCF-style: chr7-131982905-C-T.
Other names: c.1448G>A, p.Arg483Gln (NM_001393897.1); short protein forms R483Q.
Identifiers: ClinVar variation 2591833 (VCV002591833.3), dbSNP rs762255363, ClinGen allele CA4490146.